The following is an entry in ClinVar:

ClinVar aggregate classification (germline): Uncertain significance (1 of 4 stars; one submission).

Conditions:
Primary ciliary dyskinesia. Also called: Ciliary dyskinesia. Identifiers: Orphanet 244, MedGen C0008780, MONDO:0016575, HP:0012265.

Submission:

Labcorp Genetics (formerly Invitae), Labcorp
Classification: Uncertain significance for Primary ciliary dyskinesia. Last evaluated: 2025-11-12. Review status: criteria provided, single submitter. Criteria: Invitae Variant Classification Sherloc (09022015). Collection method: clinical testing. Allele origin: germline.
Comment: This variant, c.10311_10319del, results in the deletion of 3 amino acid(s) of the DNAH8 protein (p.Met3438_Ala3440del), but otherwise preserves the integrity of the reading frame. This variant is not present in population databases (gnomAD no frequency). This variant has not been reported in the literature in individuals affected with DNAH8-related conditions. Experimental studies and prediction algorithms are not available or were not evaluated, and the functional significance of this variant is currently unknown. In summary, the available evidence is currently insufficient to determine the role of this variant in disease. Therefore, it has been classified as a Variant of Uncertain Significance.

NM_001206927.2(DNAH8):c.10311_10319del (p.Met3438_Ala3440del)

Genes: DNAH8 (dynein axonemal heavy chain 8; plus strand), DNAH8-AS1 (DNAH8 antisense RNA 1; minus strand). Cytogenetic location: 6p21.2.
Variant type: Deletion.
Coding change: c.10311_10319del on transcript NM_001206927.2 (MANE Select); coding-DNA positions 10311 to 10319, 9 bases deleted (GATGAGTGC; older notation c.10311_10319delGATGAGTGC).
Protein change: p.Met3438_Ala3440del.
Molecular consequence: inframe deletion.
Genome position (GRCh38, 1-based): chr6:38,917,927-38,917,935, GATGAGTGC deleted. VCF-style (leftmost placement, unchanged base first): chr6-38917926-TGATGAGTGC-T. GRCh37 (hg19) VCF-style: chr6-38885702-TGATGAGTGC-T.
Other names: c.9660_9668del, p.Met3221_Ala3223del (NM_001371.4).
Identifiers: ClinVar variation 4730753 (VCV004730753.1).